The following is an entry in ClinVar:

NM_000135.4(FANCA):c.3952C>T (p.Leu1318Phe)

Genes: FANCA (FA complementation group A; minus strand), ZNF276 (zinc finger protein 276; plus strand). Cytogenetic location: 16q24.3.
Variant type: single nucleotide variant.
Coding change: c.3952C>T on transcript NM_000135.4 (MANE Select); coding-DNA position 3952, C replaced by T.
Protein change: p.Leu1318Phe; replaces leucine 1318 with phenylalanine.
Molecular consequence: missense variant. On other transcripts: 3 prime UTR variant (2), non-coding transcript variant (4).
Genome position (GRCh38, 1-based): chr16:89,739,536, G>A on the plus strand (C>T on the coding strand, the complement: FANCA is on the minus strand). VCF-style: chr16-89739536-G-A. GRCh37 (hg19) VCF-style: chr16-89805944-G-A.
Other names: c.3952C>T, p.Leu1318Phe (NM_001286167.3); c.*1290G>A (NM_001113525.2, NM_152287.4); short protein forms L1318F.
Identifiers: ClinVar variation 3572403 (VCV003572403.2).

ClinVar aggregate classification (germline): Uncertain significance. Review status: criteria provided, multiple submitters, no conflicts (2 of 4 stars). 2 submissions from 2 submitters: Uncertain significance (2). Last evaluated 2025-10-27.

Conditions:
Inborn genetic diseases. Identifiers: MedGen C0950123, MeSH D030342.

gnomAD v4.1: 1 of 1,551,306 alleles (0.000064%); highest among the groups gnomAD compares: Middle Eastern, 0.017%; no homozygotes.

Submissions (2):

Ambry Genetics
Classification: Uncertain significance for Inborn genetic diseases. Last evaluated: 2025-10-27. Review status: criteria provided, single submitter. Criteria: Ambry Variant Classification Scheme 2023. Collection method: clinical testing. Allele origin: germline.
Comment: The p.L1318F variant (also known as c.3952C>T), located in coding exon 40 of the FANCA gene, results from a C to T substitution at nucleotide position 3952. The leucine at codon 1318 is replaced by phenylalanine, an amino acid with highly similar properties. This amino acid position is conserved. In addition, this alteration is predicted to be tolerated by in silico analysis. Based on the available evidence, the clinical significance of this variant remains unclear.

Quest Diagnostics Nichols Institute San Juan Capistrano
Classification: Uncertain significance. Last evaluated: 2024-08-15. Review status: criteria provided, single submitter. Criteria: Quest Diagnostics criteria. Collection method: clinical testing. Allele origin: unknown.
Comment: The FANCA c.3952C>T (p.Leu1318Phe) variant, to the best of our knowledge, has not been reported in the published literature. It also has not been reported in large, multi-ethnic general populations (Genome Aggregation Database). Analysis of this variant using bioinformatics tools (i.e., MutationTaster and PolyPhen-2) for the prediction of the effect of amino acid changes on protein structure and function yielded predictions that this variant is benign. Based on the available information, we are unable to determine the clinical significance of this variant.